The following is an entry in ClinVar:

ClinVar aggregate classification (germline): Pathogenic/Likely pathogenic. Review status: criteria provided, multiple submitters, no conflicts (2 of 4 stars). 5 submissions from 5 submitters: Pathogenic (2); Likely pathogenic (2). 1 of the submissions does not count toward it. Last evaluated 2026-02-26.

Conditions:
Mitochondrial short-chain Enoyl-Coa hydratase 1 deficiency. Also called: ECHS1 deficiency; Mitochondrial Short-Chain Enoyl-CoA Hydratase Deficiency; PxMD-ECHS1. Identifiers: Orphanet 255241, Orphanet 653880, MedGen C4225391, MONDO:0014563, OMIM 616277.
ECHS1-related disorders.

Allele frequency attached by ClinVar (database versions not stated): gnomAD 0.00001; TOPMed 0.00002; gnomAD exomes 0.00003 and 0.00008; ExAC 0.00023.

Submissions (5):

GeneDx
Classification: Pathogenic. Last evaluated: 2026-02-26. Review status: criteria provided, single submitter. Criteria: GeneDx Variant Classification Process June 2021. Collection method: clinical testing. Allele origin: germline. Affected: yes.
Comment: Functional studies found that this variant results in the insertion of 11 novel nucleotides, which introduces a premature termination codon and results in a 97% reduction in ECHS1 transcript level compared to controls (PMID: 27905109); This variant is associated with the following publications: (PMID: 29882869, 28202214, 27905109, 36200804, 31130284, 32552793, 34645488, 37644014)

Genomic Medicine Center of Excellence, King Faisal Specialist Hospital and Research Centre
Classification: Pathogenic for Mitochondrial short-chain Enoyl-Coa hydratase 1 deficiency. Last evaluated: 2024-03-17. Review status: criteria provided, single submitter. Criteria: ACMG Guidelines, 2015. Collection method: research. Allele origin: germline.

Labcorp Genetics (formerly Invitae), Labcorp
Classification: Likely pathogenic. Last evaluated: 2024-01-22. Review status: criteria provided, single submitter. Criteria: Invitae Variant Classification Sherloc (09022015). Collection method: clinical testing. Allele origin: germline.
Comment: This sequence change falls in intron 1 of the ECHS1 gene. It does not directly change the encoded amino acid sequence of the ECHS1 protein. RNA analysis indicates that this variant induces altered splicing and may result in an absent or disrupted protein product. The frequency data for this variant in the population databases is considered unreliable, as metrics indicate poor data quality at this position in the gnomAD database. This variant has been observed in individual(s) with clinical features of ECHS1-related conditions (PMID: 27905109, 36200804). ClinVar contains an entry for this variant (Variation ID: 430372). Studies have shown that this variant alters ECHS1 gene expression (PMID: 27905109). Variants that disrupt the consensus splice site are a relatively common cause of aberrant splicing (PMID: 17576681, 9536098). Studies have shown that this variant results in insertion of 11 nucleotides and introduces a premature termination codon (PMID: 27905109). The resulting mRNA is expected to undergo nonsense-mediated decay. In summary, the currently available evidence indicates that the variant is pathogenic, but additional data are needed to prove that conclusively. Therefore, this variant has been classified as Likely Pathogenic.

Blueprint Genetics
Classification: Likely pathogenic for ECHS1-related disorders. Last evaluated: 2021-10-06. Review status: criteria provided, single submitter. Criteria: ACMG Guidelines, 2015. Collection method: clinical testing. Allele origin: germline. Affected: yes. Observed: 4 variant alleles.

Biochemical Molecular Genetic Laboratory, King Abdulaziz Medical City
Classification: Uncertain significance for Mitochondrial short-chain Enoyl-Coa hydratase 1 deficiency. Last evaluated: 2016-08-18. Review status: no assertion criteria provided. Collection method: clinical testing. Allele origin: germline. Affected: yes. Not counted in ClinVar's aggregate classification.

Literature cited by the submitters: PubMed 27905109 (cited by Labcorp Genetics (formerly Invitae), Labcorp); PubMed 36200804 (cited by Labcorp Genetics (formerly Invitae), Labcorp); PubMed 17576681 (cited by Labcorp Genetics (formerly Invitae), Labcorp); PubMed 9536098 (cited by Labcorp Genetics (formerly Invitae), Labcorp).

NM_004092.4(ECHS1):c.88+5G>A

Genes: ECHS1 (enoyl-CoA hydratase, short chain 1; minus strand), LOC130005023 (ATAC-STARR-seq lymphoblastoid silent region 2977; plus strand). Cytogenetic location: 10q26.3.
Variant type: single nucleotide variant.
Coding change: c.88+5G>A on transcript NM_004092.4 (MANE Select); 5 bases into the intron after coding-DNA position 88, G replaced by A.
Molecular consequence: intron variant.
Genome position (GRCh38, 1-based): chr10:133,373,241, C>T on the plus strand (G>A on the coding strand, the complement: ECHS1 is on the minus strand). VCF-style: chr10-133373241-C-T. GRCh37 (hg19) VCF-style: chr10-135186745-C-T.
Identifiers: ClinVar variation 430372 (VCV000430372.16), dbSNP rs761464256, ClinGen allele CA5765894.